The following is an entry in ClinVar:

ClinVar aggregate classification (germline): Uncertain significance. Review status: criteria provided, multiple submitters, no conflicts (2 of 4 stars). 2 submissions from 2 submitters: Uncertain significance (2). Last evaluated 2025-08-12.

Conditions:
Fraser syndrome 1 (FRASRS1). Also called: CRYPTOPHTHALMOS WITH OTHER MALFORMATIONS. Identifiers: Orphanet 2052, MedGen C4551480, MONDO:0054737, OMIM 219000.

Submissions (2):

Labcorp Genetics (formerly Invitae), Labcorp
Classification: Uncertain significance. Last evaluated: 2025-08-12. Review status: criteria provided, single submitter. Criteria: Invitae Variant Classification Sherloc (09022015). Collection method: clinical testing. Allele origin: germline.
Comment: This sequence change replaces valine, which is neutral and non-polar, with leucine, which is neutral and non-polar, at codon 883 of the FRAS1 protein (p.Val883Leu). The frequency data for this variant in the population databases is considered unreliable, as metrics indicate poor data quality at this position in the gnomAD database. This variant has not been reported in the literature in individuals affected with FRAS1-related conditions. ClinVar contains an entry for this variant (Variation ID: 3590958). An algorithm developed to predict the effect of missense changes on protein structure and function (PolyPhen-2) suggests that this variant is likely to be disruptive. In summary, the available evidence is currently insufficient to determine the role of this variant in disease. Therefore, it has been classified as a Variant of Uncertain Significance.

Fulgent Genetics
Classification: Uncertain significance for Fraser syndrome 1. Last evaluated: 2024-03-06. Review status: criteria provided, single submitter. Criteria: ACMG Guidelines, 2015. Collection method: clinical testing. Allele origin: germline.

NM_025074.7(FRAS1):c.2647G>T (p.Val883Leu)

Gene: FRAS1 (Fraser extracellular matrix complex subunit 1; plus strand). Cytogenetic location: 4q21.21.
Variant type: single nucleotide variant.
Coding change: c.2647G>T on transcript NM_025074.7 (MANE Select); coding-DNA position 2647, G replaced by T.
Protein change: p.Val883Leu; replaces valine 883 with leucine.
Molecular consequence: missense variant.
Genome position (GRCh38, 1-based): chr4:78,363,979, G>T. VCF-style: chr4-78363979-G-T. GRCh37 (hg19) VCF-style: chr4-79285133-G-T.
Other names: c.2647G>T, p.Val883Leu (NM_001166133.2); short protein forms V883L.
Identifiers: ClinVar variation 3590958 (VCV003590958.2).